The following is an entry in ClinVar:

ClinVar aggregate classification (germline): Likely benign. Review status: criteria provided, multiple submitters, no conflicts (2 of 4 stars). 2 submissions from 2 submitters: Likely benign (2). Last evaluated 2023-04-03.

Conditions:
Hypertrophic cardiomyopathy 2. Also called: TNNT2-Related Familial Hypertrophic Cardiomyopathy. Identifiers: MedGen C1861864, MONDO:0007266, OMIM 115195.
Cardiomyopathy, familial restrictive, 3. Identifiers: Orphanet 75249, MedGen C2676271, MONDO:0012900, OMIM 612422.
Dilated cardiomyopathy 1D. Identifiers: Orphanet 154, Orphanet 54260, MedGen C1832243, MONDO:0011095, OMIM 601494.
Cardiomyopathy (CMYO). Also called: Cardiomyopathies. Identifiers: Orphanet 167848, MedGen C0878544, MONDO:0004994, HP:0001638. Inheritance: Various modes of inheritance.

Allele frequency attached by ClinVar (database versions not stated): gnomAD exomes below 0.00001 and 0.00001.
gnomAD v4.1: 16 of 1,614,144 alleles (0.00099%); highest among the groups gnomAD compares: Non-Finnish European, 0.0014%; no homozygotes.

Submissions (2):

All of Us Research Program, National Institutes of Health
Classification: Likely benign for Cardiomyopathy. Last evaluated: 2023-04-03. Review status: criteria provided, single submitter. Criteria: ACMG Guidelines, 2015. Collection method: clinical testing. Allele origin: germline. Inheritance: Autosomal dominant inheritance. Observed: 1 variant allele, 1 heterozygote.
Comment: This study involves interpretation of variants in research participants for the purpose of population health screening. Participant phenotype was not available at the time of variant classification. Additional details can be found in publication PMID: 35346344, PMCID: PMC8962531

Labcorp Genetics (formerly Invitae), Labcorp
Classification: Likely benign for Cardiomyopathy, familial restrictive, 3; Hypertrophic cardiomyopathy 2; Dilated cardiomyopathy 1D. Last evaluated: 2017-04-26. Review status: criteria provided, single submitter. Criteria: Invitae Variant Classification Sherloc (09022015). Collection method: clinical testing. Allele origin: germline.

NM_001276345.2(TNNT2):c.498G>A (p.Arg166=)

Gene: TNNT2 (troponin T2, cardiac type; minus strand). Cytogenetic location: 1q32.1.
Variant type: single nucleotide variant.
Coding change: c.498G>A on transcript NM_001276345.2 (MANE Select); coding-DNA position 498, G replaced by A.
Protein change: p.Arg166=; no amino-acid change (arginine 166 retained).
Molecular consequence: synonymous variant.
Genome position (GRCh38, 1-based): chr1:201,363,398, C>T on the plus strand (G>A on the coding strand, the complement: TNNT2 is on the minus strand). VCF-style: chr1-201363398-C-T. GRCh37 (hg19) VCF-style: chr1-201332526-C-T.
Other names: c.498G>A, p.Arg166= (NM_000364.4); c.468G>A, p.Arg156= (NM_001001430.3, NM_001001431.3, NM_001276347.2); c.453G>A, p.Arg151= (NM_001001432.3); c.378G>A, p.Arg126= (NM_001276346.2).
Identifiers: ClinVar variation 469525 (VCV000469525.4), dbSNP rs750399630, ClinGen allele CA35420314.